The following is an entry in ClinVar:

NM_000492.4(CFTR):c.2488A>G (p.Lys830Glu)

Gene: CFTR (CF transmembrane conductance regulator; plus strand). Cytogenetic location: 7q31.2.
Variant type: single nucleotide variant.
Coding change: c.2488A>G on transcript NM_000492.4 (MANE Select); coding-DNA position 2488, A replaced by G.
Protein change: p.Lys830Glu; replaces lysine 830 with glutamic acid.
Molecular consequence: missense variant.
Genome position (GRCh38, 1-based): chr7:117,592,655, A>G. VCF-style: chr7-117592655-A-G. GRCh37 (hg19) VCF-style: chr7-117232709-A-G.
Other names: short protein forms K830E.
Identifiers: ClinVar variation 4649006 (VCV004649006.1).

ClinVar aggregate classification (germline): Uncertain significance (1 of 4 stars; one submission).

Conditions:
Cystic fibrosis (CF). Also called: MUCOVISCIDOSIS. Identifiers: Orphanet 586, MedGen C0010674, MONDO:0009061, OMIM 219700. Disease mechanism: loss of function.

Submission:

Ambry Genetics
Classification: Uncertain significance for Cystic fibrosis. Last evaluated: 2025-10-28. Review status: criteria provided, single submitter. Criteria: Ambry Variant Classification Scheme 2023. Collection method: clinical testing. Allele origin: germline.
Comment: The p.K830E variant (also known as c.2488A>G), located in coding exon 14 of the CFTR gene, results from an A to G substitution at nucleotide position 2488. The lysine at codon 830 is replaced by glutamic acid, an amino acid with similar properties. This amino acid position is conserved. In addition, the in silico prediction for this alteration is inconclusive. Based on the available evidence, the clinical significance of this variant remains unclear.